The following is an entry in ClinVar:

ClinVar aggregate classification (germline): Benign. Review status: criteria provided, multiple submitters, no conflicts (2 of 4 stars). 3 submissions from 3 submitters: Benign (2). 1 of the submissions does not count toward it. Last evaluated 2026-02-03.

Conditions:
LRRC56-related disorder. Also called: LRRC56-related condition.

Allele frequency attached by ClinVar (database versions not stated): 1000 Genomes Project 30x 0.00906; 1000 Genomes Project 0.00899; ESP Exome Variant Server 0.01538.

Submissions (3):

Labcorp Genetics (formerly Invitae), Labcorp
Classification: Benign. Last evaluated: 2026-02-03. Review status: criteria provided, single submitter. Criteria: Invitae Variant Classification Sherloc (09022015). Collection method: clinical testing. Allele origin: germline.

Breakthrough Genomics
Classification: Benign. Review status: criteria provided, single submitter. Criteria: ACMG Guidelines, 2015. Collection method: not provided. Allele origin: germline. Inheritance: Autosomal recessive inheritance. Affected: yes.

PreventionGenetics, part of Exact Sciences
Classification: Likely benign for LRRC56-related condition. Last evaluated: 2019-02-21. Review status: no assertion criteria provided. Collection method: clinical testing. Allele origin: germline. Not counted in ClinVar's aggregate classification.
Comment: This variant is classified as likely benign based on ACMG/AMP sequence variant interpretation guidelines (Richards et al. 2015 PMID: 25741868, with internal and published modifications).

NM_198075.4(LRRC56):c.242G>C (p.Arg81Pro)

Gene: LRRC56 (leucine rich repeat containing 56; plus strand). Cytogenetic location: 11p15.5.
Variant type: single nucleotide variant.
Coding change: c.242G>C on transcript NM_198075.4 (MANE Select); coding-DNA position 242, G replaced by C.
Protein change: p.Arg81Pro; replaces arginine 81 with proline.
Molecular consequence: missense variant.
Genome position (GRCh38, 1-based): chr11:541,601, G>C. VCF-style: chr11-541601-G-C. GRCh37 (hg19) VCF-style: chr11-541601-G-C.
Other names: c.242G>C (NM_198075.3); short protein forms R81P.
Identifiers: ClinVar variation 1586438 (VCV001586438.10), dbSNP rs116866926, ClinGen allele CA5779569.